The following is an entry in ClinVar:

NM_016148.5(SHANK1):c.5427A>T (p.Ala1809=)

Gene: SHANK1 (SH3 and multiple ankyrin repeat domains 1; minus strand). Cytogenetic location: 19q13.33.
Variant type: single nucleotide variant.
Coding change: c.5427A>T on transcript NM_016148.5 (MANE Select); coding-DNA position 5427, A replaced by T.
Protein change: p.Ala1809=; no amino-acid change (alanine 1809 retained).
Molecular consequence: synonymous variant.
Genome position (GRCh38, 1-based): chr19:50,666,533, T>A on the plus strand (A>T on the coding strand, the complement: SHANK1 is on the minus strand). VCF-style: chr19-50666533-T-A. GRCh37 (hg19) VCF-style: chr19-51169790-T-A.
Identifiers: ClinVar variation 3034655 (VCV003034655.2), dbSNP rs2513874472, ClinGen allele CA508309757.
Genomic context (GRCh38, chr19:50,666,533, plus strand): 5'-CGTCGGCAAGGGCACCGGTGGGACTTCTGGCTCTACAGCCACCGGACCCCCCGCCACGCC[T>A]GCCGTGGGGGGTCCTGAACAAGCACGCAGGGCCAGCAGCCCATCGGTTCCAGCCCCTGTC-3'
Protein context (NP_057232.2, residues 1799-1819): ALRACSGPPT[Ala1809=]GVAGGPVAVE

ClinVar aggregate classification (germline): Likely benign (0 of 4 stars; one submission).

Conditions:
SHANK1-related disorder. Also called: SHANK1-related condition.

Submission:

PreventionGenetics, part of Exact Sciences
Classification: Likely benign for SHANK1-related condition. Last evaluated: 2019-08-08. Review status: no assertion criteria provided. Collection method: clinical testing. Allele origin: germline.
Comment: This variant is classified as likely benign based on ACMG/AMP sequence variant interpretation guidelines (Richards et al. 2015 PMID: 25741868, with internal and published modifications).